The following is an entry in ClinVar:

NM_001006658.3(CR2):c.1628T>C (p.Leu543Ser)

Gene: CR2 (complement C3d receptor 2; plus strand). Cytogenetic location: 1q32.2.
Variant type: single nucleotide variant.
Coding change: c.1628T>C on transcript NM_001006658.3 (MANE Select); coding-DNA position 1628, T replaced by C.
Protein change: p.Leu543Ser; replaces leucine 543 with serine.
Molecular consequence: missense variant.
Genome position (GRCh38, 1-based): chr1:207,472,829, T>C. VCF-style: chr1-207472829-T-C. GRCh37 (hg19) VCF-style: chr1-207646174-T-C.
Other names: c.1628T>C, p.Leu543Ser (NM_001877.5); short protein forms L543S.
Identifiers: ClinVar variation 1011388 (VCV001011388.8), dbSNP rs1041517725, ClinGen allele CA36652102.
Genomic context (GRCh38, chr1:207,472,829, plus strand): 5'-TAGAAATCACCTGCCCACCACCCCCTGTTATCTACAATGGGGCACACACCGGGAGTTCCT[T>C]AGAAGATTTTCCATATGGAACCACGGTCACTTACACATGTAACCCTGGGCCAGAAAGAGG-3'
Protein context (NP_001006659.1, residues 533-553): IYNGAHTGSS[Leu543Ser]EDFPYGTTVT

ClinVar aggregate classification (germline): Uncertain significance (1 of 4 stars; one submission).

Conditions:
Immunodeficiency, common variable, 7. Identifiers: Orphanet 1572, Orphanet 696894, MedGen C3542922, MONDO:0013862, OMIM 614699.

Allele frequency attached by ClinVar (database versions not stated): TOPMed below 0.00001.

Submission:

Labcorp Genetics (formerly Invitae), Labcorp
Classification: Uncertain significance for Immunodeficiency, common variable, 7. Last evaluated: 2020-06-02. Review status: criteria provided, single submitter. Criteria: Invitae Variant Classification Sherloc (09022015). Collection method: clinical testing. Allele origin: germline.
Comment: In summary, the available evidence is currently insufficient to determine the role of this variant in disease. Therefore, it has been classified as a Variant of Uncertain Significance. Algorithms developed to predict the effect of missense changes on protein structure and function output the following: SIFT: "Tolerated"; PolyPhen-2: "Benign"; Align-GVGD: "Class C0". The serine amino acid residue is found in multiple mammalian species, suggesting that this missense change does not adversely affect protein function. These predictions have not been confirmed by published functional studies and their clinical significance is uncertain. This variant has not been reported in the literature in individuals with CR2-related conditions. This variant is not present in population databases (ExAC no frequency). This sequence change replaces leucine with serine at codon 543 of the CR2 protein (p.Leu543Ser). The leucine residue is weakly conserved and there is a large physicochemical difference between leucine and serine.